The following is an entry in ClinVar:

ClinVar aggregate classification (germline): Benign/Likely benign. Review status: criteria provided, multiple submitters, no conflicts (2 of 4 stars). 3 submissions from 3 submitters: Benign (1); Likely benign (2). Last evaluated 2025-10-12.

Conditions:
Chuvash polycythemia. Also called: POLYCYTHEMIA, VHL-DEPENDENT. Identifiers: Orphanet 238557, MedGen C1837915, MONDO:0009892, OMIM 263400.
Von Hippel-Lindau syndrome (VHLS). Also called: von Hippel–Lindau syndrome; VHL syndrome; Von Hippel-Lindau. Identifiers: Orphanet 892, MedGen C0019562, MONDO:0008667, OMIM 193300. Disease mechanism: loss of function.

Submissions (3):

Color Diagnostics, LLC DBA Color Health
Classification: Likely benign for Von Hippel-Lindau syndrome. Last evaluated: 2025-10-12. Review status: criteria provided, single submitter. Criteria: ACMG Guidelines, 2015. Collection method: clinical testing. Allele origin: germline.

Myriad Genetics, Inc.
Classification: Benign for Von Hippel-Lindau syndrome. Last evaluated: 2025-06-10. Review status: criteria provided, single submitter. Criteria: Myriad Autosomal Dominant, Autosomal Recessive and X-Linked Classification Criteria (2023). Collection method: clinical testing. Allele origin: unknown.
Comment: This variant is considered benign. This variant is a silent/synonymous amino acid change and it is not expected to impact splicing.

Labcorp Genetics (formerly Invitae), Labcorp
Classification: Likely benign for Von Hippel-Lindau syndrome; Chuvash polycythemia. Last evaluated: 2025-03-07. Review status: criteria provided, single submitter. Criteria: Invitae Variant Classification Sherloc (09022015). Collection method: clinical testing. Allele origin: germline.

NM_000551.4(VHL):c.72C>T (p.Gly24=)

Gene: VHL (von Hippel-Lindau tumor suppressor; plus strand). Cytogenetic location: 3p25.3.
Variant type: single nucleotide variant.
Coding change: c.72C>T on transcript NM_000551.4 (MANE Select); coding-DNA position 72, C replaced by T.
Protein change: p.Gly24=; no amino-acid change (glycine 24 retained).
Molecular consequence: synonymous variant. On other transcripts: non-coding transcript variant (1).
Genome position (GRCh38, 1-based): chr3:10,141,919, C>T. VCF-style: chr3-10141919-C-T. GRCh37 (hg19) VCF-style: chr3-10183603-C-T.
Other names: c.72C>T, p.Gly24= (NM_001354723.2, NM_198156.3).
Identifiers: ClinVar variation 2943789 (VCV002943789.5), dbSNP rs1375079282, ClinGen allele CA432536219.